The following is an entry in ClinVar:

NM_025216.3(WNT10A):c.623C>T (p.Ser208Phe)

Gene: WNT10A (Wnt family member 10A; plus strand). Cytogenetic location: 2q35.
Variant type: single nucleotide variant.
Coding change: c.623C>T on transcript NM_025216.3 (MANE Select); coding-DNA position 623, C replaced by T.
Protein change: p.Ser208Phe; replaces serine 208 with phenylalanine.
Molecular consequence: missense variant.
Genome position (GRCh38, 1-based): chr2:218,890,230, C>T. VCF-style: chr2-218890230-C-T. GRCh37 (hg19) VCF-style: chr2-219754952-C-T.
Other names: short protein forms S208F.
Identifiers: ClinVar variation 1394589 (VCV001394589.3), dbSNP rs756543596, ClinGen allele CA2113982.

ClinVar aggregate classification (germline): Uncertain significance (1 of 4 stars; one submission).

Conditions:
Tooth agenesis, selective, 4 (STHAG4). Also called: LATERAL INCISORS, ABSENCE OF; LATERAL INCISORS, PEGGED OR MISSING; SUCCEDANEOUS TEETH, AGENESIS OF; TOOTH AGENESIS, SELECTIVE, 4, WITH OR WITHOUT ECTODERMAL DYSPLASIA. Identifiers: Orphanet 99798, MedGen C1835492, MONDO:0007881, OMIM 150400. Disease mechanism: loss of function.
Odonto-onycho-dermal dysplasia. Identifiers: Orphanet 2721, MedGen C0796093, MONDO:0009773, OMIM 257980.

Allele frequency attached by ClinVar (database versions not stated): gnomAD exomes below 0.00001; ExAC 0.00001.

Submission:

Labcorp Genetics (formerly Invitae), Labcorp
Classification: Uncertain significance for Tooth agenesis, selective, 4; Odonto-onycho-dermal dysplasia. Last evaluated: 2021-10-02. Review status: criteria provided, single submitter. Criteria: Invitae Variant Classification Sherloc (09022015). Collection method: clinical testing. Allele origin: germline.
Comment: This sequence change replaces serine with phenylalanine at codon 208 of the WNT10A protein (p.Ser208Phe). The serine residue is highly conserved and there is a large physicochemical difference between serine and phenylalanine. This variant is present in population databases (rs756543596, ExAC 0.002%). This variant has not been reported in the literature in individuals with WNT10A-related conditions. Algorithms developed to predict the effect of missense changes on protein structure and function are either unavailable or do not agree on the potential impact of this missense change (SIFT: "Deleterious"; PolyPhen-2: "Possibly Damaging"; Align-GVGD: "Class C0"). In summary, the available evidence is currently insufficient to determine the role of this variant in disease. Therefore, it has been classified as a Variant of Uncertain Significance.